The following is an entry in ClinVar:

NM_001378454.1(ALMS1):c.10214A>T (p.Asp3405Val)

Gene: ALMS1 (ALMS1 centrosome and basal body associated protein; plus strand). Cytogenetic location: 2p13.1.
Variant type: single nucleotide variant.
Coding change: c.10214A>T on transcript NM_001378454.1 (MANE Select); coding-DNA position 10214, A replaced by T.
Protein change: p.Asp3405Val; replaces aspartic acid 3405 with valine.
Molecular consequence: missense variant.
Genome position (GRCh38, 1-based): chr2:73,558,972, A>T. VCF-style: chr2-73558972-A-T. GRCh37 (hg19) VCF-style: chr2-73786099-A-T.
Other names: c.10217A>T, p.Asp3406Val (NM_015120.4); short protein forms D3406V, D3405V.
Identifiers: ClinVar variation 1482398 (VCV001482398.7), dbSNP rs781411724, ClinGen allele CA1714938.
Genomic context (GRCh38, chr2:73,558,972, plus strand): 5'-ATTTAAAAATCTTTTATGTCAAGTTCCTGTCTGTATAGTGTGTTAATTTCCCTTTCGTAG[A>T]TTCCAGTGCTGCTGCTGCTGCAGAGCACTCAGCTCAAGTAGGAGACCCAGAAATGAAGAA-3'
Protein context (NP_001365383.1, residues 3395-3415): EKESLQKDTA[Asp3405Val]SSAAAAAEHS

ClinVar aggregate classification (germline): Conflicting classifications of pathogenicity. Review status: criteria provided, conflicting classifications (1 of 4 stars). 4 submissions from 4 submitters: Uncertain significance (3); Likely benign (1). Last evaluated 2025-11-21.

Conditions:
Cardiovascular phenotype. Identifiers: MedGen CN230736.
Alstrom syndrome (ALMS). Identifiers: Orphanet 64, MedGen C0268425, MONDO:0008763, OMIM 203800.

Allele frequency attached by ClinVar (database versions not stated): gnomAD exomes below 0.00001 and 0.00001; ExAC 0.00001; gnomAD 0.00001; TOPMed 0.00002.
gnomAD v4.1: 4 of 1,613,832 alleles (0.00025%); highest among the groups gnomAD compares: African/African-American, 0.0053%; no homozygotes.

Submissions (4):

Labcorp Genetics (formerly Invitae), Labcorp
Classification: Uncertain significance for Alstrom syndrome. Last evaluated: 2025-11-21. Review status: criteria provided, single submitter. Criteria: Invitae Variant Classification Sherloc (09022015). Collection method: clinical testing. Allele origin: germline.
Comment: This sequence change replaces aspartic acid, which is acidic and polar, with valine, which is neutral and non-polar, at codon 3406 of the ALMS1 protein (p.Asp3406Val). This variant is present in population databases (rs781411724, gnomAD 0.007%). This variant has not been reported in the literature in individuals affected with ALMS1-related conditions. ClinVar contains an entry for this variant (Variation ID: 1482398). Experimental studies and prediction algorithms are not available or were not evaluated, and the functional significance of this variant is currently unknown. In summary, the available evidence is currently insufficient to determine the role of this variant in disease. Therefore, it has been classified as a Variant of Uncertain Significance.

Ambry Genetics
Classification: Likely benign for Cardiovascular phenotype. Last evaluated: 2024-06-10. Review status: criteria provided, single submitter. Criteria: Ambry Variant Classification Scheme 2023. Collection method: clinical testing. Allele origin: germline.

GeneDx
Classification: Uncertain significance. Last evaluated: 2023-08-10. Review status: criteria provided, single submitter. Criteria: GeneDx Variant Classification Process June 2021. Collection method: clinical testing. Allele origin: germline. Affected: yes.
Comment: Not observed at significant frequency in large population cohorts (gnomAD); In silico analysis supports that this missense variant has a deleterious effect on protein structure/function; Has not been previously published as pathogenic or benign to our knowledge

Fulgent Genetics
Classification: Uncertain significance for Alstrom syndrome. Last evaluated: 2021-09-23. Review status: criteria provided, single submitter. Criteria: ACMG Guidelines, 2015. Collection method: clinical testing. Allele origin: unknown.